The following is an entry in ClinVar:

ClinVar aggregate classification (germline): not provided (0 of 4 stars; one submission).

Conditions:
Familial long QT syndrome (RWS). Also called: Congenital long QT syndrome; Romano-Ward syndrome; VENTRICULAR FIBRILLATION WITH PROLONGED QT INTERVAL. Identifiers: Orphanet 768, MedGen C1141890, MONDO:0019171.

gnomAD v4.1: 1 of 1,613,742 alleles (0.000062%); no homozygotes.

Submission:

Cardiovascular Biomedical Research Unit, Royal Brompton & Harefield NHS Foundation Trust
No classification provided. Condition: Familial long QT syndrome. Review status: no classification provided. Collection method: literature only. Allele origin: germline.
Comment: This variant has been reported as associated with Long QT syndrome in the following publications (PMID:19716085). This is a literature report, and does not necessarily reflect the clinical interpretation of the Imperial College / Royal Brompton Cardiovascular Genetics laboratory.

Literature cited by the submitters: PubMed 19716085; PubMed 22581653.

NM_000238.4(KCNH2):c.2299G>T (p.Asp767Tyr)

Gene: KCNH2 (potassium voltage-gated channel subfamily H member 2; minus strand). Cytogenetic location: 7q36.1.
Variant type: single nucleotide variant.
Coding change: c.2299G>T on transcript NM_000238.4 (MANE Select); coding-DNA position 2299, G replaced by T.
Protein change: p.Asp767Tyr; replaces aspartic acid 767 with tyrosine.
Molecular consequence: missense variant.
Genome position (GRCh38, 1-based): chr7:150,950,267, C>A on the plus strand (G>T on the coding strand, the complement: KCNH2 is on the minus strand). VCF-style: chr7-150950267-C-A. GRCh37 (hg19) VCF-style: chr7-150647355-C-A.
Other names: c.2299G>T (LRG_288t1); c.1279G>T, p.Asp427Tyr (NM_001204798.2, NM_172057.3); c.2011G>T, p.Asp671Tyr (NM_001406753.1, NM_001406756.1); c.2122G>T, p.Asp708Tyr (NM_001406755.1); c.1999G>T, p.Asp667Tyr (NM_001406757.1); c.2299G>T, p.Asp767Tyr (NM_172056.3); short protein forms D427Y, D767Y, D671Y, D708Y, D667Y.
Identifiers: ClinVar variation 67383 (VCV000067383.3), dbSNP rs199472993, ClinGen allele CA006424.
Genomic context (GRCh38, chr7:150,950,267, plus strand): 5'-TGGAGCCCCGGGAGATGAAGTACAGGGCGGTGAGCAGGTCCCCAGCATGCACCAGTGTGT[C>A]CCCTGGCGGTGCATGTGTGGTCTTGAACTTCATGGCCAGGGCCCGAAGGCAGCCCTTGGT-3'
Protein context (NP_000229.1, residues 757-777): KFKTTHAPPG[Asp767Tyr]TLVHAGDLLT